The following is an entry in ClinVar:

ClinVar aggregate classification (germline): Likely benign. Review status: criteria provided, multiple submitters, no conflicts (2 of 4 stars). 2 submissions from 2 submitters: Likely benign (2). Last evaluated 2026-04-01.

Allele frequency attached by ClinVar (database versions not stated): gnomAD exomes below 0.00001.
gnomAD v4.1: 1 of 1,613,866 alleles (0.000062%); highest among the groups gnomAD compares: Admixed American, 0.0017%; no homozygotes.

Submissions (2):

CeGaT Center for Human Genetics Tuebingen
Classification: Likely benign. Last evaluated: 2026-04-01. Review status: criteria provided, single submitter. Criteria: CeGaT Center For Human Genetics Tuebingen Variant Classification Criteria Version 2. Collection method: clinical testing. Allele origin: germline. Affected: yes. Observed: 1 variant allele.
Comment: ABHD12: BP4, BP7

Labcorp Genetics (formerly Invitae), Labcorp
Classification: Likely benign. Last evaluated: 2022-05-19. Review status: criteria provided, single submitter. Criteria: Invitae Variant Classification Sherloc (09022015). Collection method: clinical testing. Allele origin: germline.

NM_001042472.3(ABHD12):c.1086G>A (p.Val362=)

Gene: ABHD12 (abhydrolase domain containing 12, lysophospholipase; minus strand). Cytogenetic location: 20p11.21.
Variant type: single nucleotide variant.
Coding change: c.1086G>A on transcript NM_001042472.3 (MANE Select); coding-DNA position 1086, G replaced by A.
Protein change: p.Val362=; no amino-acid change (valine 362 retained).
Molecular consequence: synonymous variant.
Genome position (GRCh38, 1-based): chr20:25,302,290, C>T on the plus strand (G>A on the coding strand, the complement: ABHD12 is on the minus strand). VCF-style: chr20-25302290-C-T. GRCh37 (hg19) VCF-style: chr20-25282926-C-T.
Other names: c.1086G>A, p.Val362= (NM_015600.5).
Identifiers: ClinVar variation 2075987 (VCV002075987.6), dbSNP rs1204717697, ClinGen allele CA509892405.
Genomic context (GRCh38, chr20:25,302,290, plus strand): 5'-TGGCAGCTCAGGGCTCTTGTAAATGTATTTGTGCCTGTAGCCAAGGTCTGAATGAAAGGG[C>T]ACAAACTGAACTTTGAAATCTCGGAAGCTTCGAGCTGGTGCGGCGATGCTATAGAGCTGG-3'
Protein context (NP_001035937.1, residues 352-372): RSFRDFKVQF[Val362=]PFHSDLGYRH